The following is an entry in ClinVar:

NM_000572.3(IL10):c.507A>C (p.Glu169Asp)

Gene: IL10 (interleukin 10; minus strand). Cytogenetic location: 1q32.1.
Variant type: single nucleotide variant.
Coding change: c.507A>C on transcript NM_000572.3 (MANE Select); coding-DNA position 507, A replaced by C.
Protein change: p.Glu169Asp; replaces glutamic acid 169 with aspartic acid.
Molecular consequence: missense variant. On other transcripts: non-coding transcript variant (2).
Genome position (GRCh38, 1-based): chr1:206,768,666, T>G on the plus strand (A>C on the coding strand, the complement: IL10 is on the minus strand). VCF-style: chr1-206768666-T-G. GRCh37 (hg19) VCF-style: chr1-206942011-T-G.
Other names: c.252A>C, p.Glu84Asp (NM_001382624.1); short protein forms E84D, E169D.
Identifiers: ClinVar variation 939398 (VCV000939398.8), dbSNP rs568879359, ClinGen allele CA1363727.

ClinVar aggregate classification (germline): Uncertain significance. Review status: criteria provided, multiple submitters, no conflicts (2 of 4 stars). 2 submissions from 2 submitters: Uncertain significance (2). Last evaluated 2022-11-25.

Conditions:
Inflammatory bowel disease. Identifiers: Orphanet 104012, MedGen C0021390, MONDO:0005265.

Allele frequency attached by ClinVar (database versions not stated): ExAC 0.00002; TOPMed 0.00002; 1000 Genomes Project 0.00020; 1000 Genomes Project 30x 0.00031.
gnomAD v4.1: 23 of 1,608,174 alleles (0.0014%); highest among the groups gnomAD compares: African/African-American, 0.0067%; no homozygotes.

Submissions (2):

Blueprint Genetics
Classification: Uncertain significance. Last evaluated: 2022-11-25. Review status: criteria provided, single submitter. Criteria: ACMG Guidelines, 2015. Collection method: clinical testing. Allele origin: germline.

Labcorp Genetics (formerly Invitae), Labcorp
Classification: Uncertain significance for Inflammatory bowel disease. Last evaluated: 2021-08-31. Review status: criteria provided, single submitter. Criteria: Invitae Variant Classification Sherloc (09022015). Collection method: clinical testing. Allele origin: germline.
Comment: This sequence change replaces glutamic acid with aspartic acid at codon 169 of the IL10 protein (p.Glu169Asp). The glutamic acid residue is moderately conserved and there is a small physicochemical difference between glutamic acid and aspartic acid. This variant is present in population databases (rs568879359, ExAC 0.01%). This missense change has been observed in individual(s) with a primary immunodeficiency disorder (PMID: 30290665). ClinVar contains an entry for this variant (Variation ID: 939398). Algorithms developed to predict the effect of missense changes on protein structure and function are either unavailable or do not agree on the potential impact of this missense change (SIFT: "Tolerated"; PolyPhen-2: "Probably Damaging"; Align-GVGD: "Class C0"). In summary, the available evidence is currently insufficient to determine the role of this variant in disease. Therefore, it has been classified as a Variant of Uncertain Significance.

Literature cited by the submitters: PubMed 30290665 (cited by Labcorp Genetics (formerly Invitae), Labcorp).